The following is an entry in ClinVar:

NM_000136.3(FANCC):c.346-47T>C

Gene: FANCC (FA complementation group C; minus strand). Cytogenetic location: 9q22.32.
Variant type: single nucleotide variant.
Coding change: c.346-47T>C on transcript NM_000136.3 (MANE Select); 47 bases into the intron before coding-DNA position 346, T replaced by C.
Molecular consequence: intron variant.
Genome position (GRCh38, 1-based): chr9:95,172,194, A>G on the plus strand (T>C on the coding strand, the complement: FANCC is on the minus strand). VCF-style: chr9-95172194-A-G. GRCh37 (hg19) VCF-style: chr9-97934476-A-G.
Other names: c.346-47T>C (NM_001243743.2, NM_001243744.2).
Identifiers: ClinVar variation 929807 (VCV000929807.1), dbSNP rs115475539, ClinGen allele CA5137765.

ClinVar aggregate classification (germline): Uncertain significance (0 of 4 stars; one submission).

Allele frequency attached by ClinVar (database versions not stated): gnomAD exomes 0.00018 and 0.00045; ExAC 0.00057; gnomAD 0.00144 and 0.00153; 1000 Genomes Project 0.00180; TOPMed 0.00182; ESP Exome Variant Server 0.00208; 1000 Genomes Project 30x 0.00219.
gnomAD v4.1: 435 of 1,267,582 alleles (0.034%); highest among the groups gnomAD compares: African/African-American, 0.47%; 1 homozygote.

Submission:

Leiden Open Variation Database
Classification: Uncertain significance. Last evaluated: 2020-02-28. Review status: no assertion criteria provided. Collection method: curation. Allele origin: germline. Affected: yes.
Comment: Curator: Arleen D. Auerbach. Submitter to LOVD: Arleen D. Auerbach.

Literature cited by the submitters: PubMed 15695377.